The following is an entry in ClinVar:

NC_000023.10:g.(?_107782956)_(107898707_?)dup

Gene: COL4A5 (collagen type IV alpha 5 chain; plus strand). Cytogenetic location: Xq22.3.
Variant type: Duplication.
Identifiers: ClinVar variation 2423177 (VCV002423177.4).

ClinVar aggregate classification (germline): Likely pathogenic (1 of 4 stars; one submission).

Submission:

Labcorp Genetics (formerly Invitae), Labcorp
Classification: Likely pathogenic. Last evaluated: 2022-05-03. Review status: criteria provided, single submitter. Criteria: Invitae Variant Classification Sherloc (09022015). Collection method: clinical testing. Allele origin: germline.
Comment: This variant results in a copy number gain of the genomic region encompassing exon(s) 2-37 of the COL4A5 gene. While the exact position of this variant cannot be determined from the data, sub-genic copy number gains are generally in tandem (PMID: 25640679). This variant is predicted to be out-of-frame, and may result in an absent or disrupted protein product. Loss-of-function variants in COL4A5 are known to be pathogenic (PMID: 9195222, 10752524, 14514738, 24854265, 26809805). A similar copy number variant has been observed in individual(s) with clinical features of Alport syndrome (Invitae). In summary, the currently available evidence indicates that the variant is pathogenic, but additional data are needed to prove that conclusively. Therefore, this variant has been classified as Likely Pathogenic.

Literature cited by the submitters: PubMed 25640679; PubMed 9195222; PubMed 10752524; PubMed 14514738; PubMed 24854265; PubMed 26809805.